The following is an entry in ClinVar:

NM_000051.4(ATM):c.8690G>T (p.Gly2897Val)

Genes: ATM (ATM serine/threonine kinase; plus strand), C11orf65 (chromosome 11 open reading frame 65; minus strand). Cytogenetic location: 11q22.3.
Variant type: single nucleotide variant.
Coding change: c.8690G>T on transcript NM_000051.4 (MANE Select); coding-DNA position 8690, G replaced by T.
Protein change: p.Gly2897Val; replaces glycine 2897 with valine.
Molecular consequence: missense variant. On other transcripts: intron variant (2).
Genome position (GRCh38, 1-based): chr11:108,353,784, G>T. VCF-style: chr11-108353784-G-T. GRCh37 (hg19) VCF-style: chr11-108224511-G-T.
Other names: c.8690G>T, p.Gly2897Val (NM_001351834.2); c.640+32136C>A (NM_001330368.2); c.695-18492C>A (NM_001351110.2); short protein forms G2897V.
Identifiers: ClinVar variation 4747276 (VCV004747276.1).

ClinVar aggregate classification (germline): Uncertain significance (1 of 4 stars; one submission).

Conditions:
Ataxia-telangiectasia syndrome (AT). Also called: LOUIS-BAR SYNDROME; Cerebello-oculocutaneous telangiectasia; Immunodeficiency with ataxia telangiectasia; Ataxia-telangiectasia, complementation group D; AT, COMPLEMENTATION GROUP C; ATAXIA-TELANGIECTASIA, COMPLEMENTATION GROUP A. Identifiers: Orphanet 100, MedGen C0004135, MONDO:0008840, OMIM 208900.

Submission:

Labcorp Genetics (formerly Invitae), Labcorp
Classification: Uncertain significance for Ataxia-telangiectasia syndrome. Last evaluated: 2025-01-29. Review status: criteria provided, single submitter. Criteria: Invitae Variant Classification Sherloc (09022015). Collection method: clinical testing. Allele origin: germline.
Comment: This sequence change replaces glycine, which is neutral and non-polar, with valine, which is neutral and non-polar, at codon 2897 of the ATM protein (p.Gly2897Val). This variant is not present in population databases (gnomAD no frequency). This variant has not been reported in the literature in individuals affected with ATM-related conditions. Invitae Evidence Modeling of protein sequence and biophysical properties (such as structural, functional, and spatial information, amino acid conservation, physicochemical variation, residue mobility, and thermodynamic stability) indicates that this missense variant is expected to disrupt ATM protein function with a positive predictive value of 95%. In summary, the available evidence is currently insufficient to determine the role of this variant in disease. Therefore, it has been classified as a Variant of Uncertain Significance.